The following is an entry in ClinVar:

ClinVar aggregate classification (germline): Conflicting classifications of pathogenicity. Review status: criteria provided, conflicting classifications (1 of 4 stars). 4 submissions from 4 submitters: Uncertain significance (1); Likely benign (2). 1 of the submissions does not count toward it. Last evaluated 2026-01-05.

Conditions:
MVK-related disorder. Also called: MVK-related disorders; MVK-related condition. Identifiers: MedGen CN239294.
Mevalonic aciduria (MEVA). Identifiers: Orphanet 29, MedGen C1959626, MONDO:0012481, OMIM 610377.
Hyperimmunoglobulin D with periodic fever (HIDS). Also called: HYPERIMMUNOGLOBULINEMIA D AND PERIODIC FEVER SYNDROME; Hyperimmunoglobulinemia D with periodic fever; Hyperimmunoglobulinemia D. Identifiers: Orphanet 343, MedGen C0398691, MONDO:0009849, OMIM 260920.
Porokeratosis 3, disseminated superficial actinic type (POROK3). Also called: POROKERATOSIS, DISSEMINATED SUPERFICIAL ACTINIC, 1; POROKERATOSIS 3, MULTIPLE TYPES; POROKERATOSIS 3, MIBELLI TYPE. Identifiers: MedGen C1867981, MONDO:0008293, OMIM 175900.

Allele frequency attached by ClinVar (database versions not stated): gnomAD 0.00001; TOPMed 0.00001; ExAC 0.00002; gnomAD exomes 0.00002; ESP Exome Variant Server 0.00008.
gnomAD v4.1: 27 of 1,613,172 alleles (0.0017%); highest among the groups gnomAD compares: Admixed American, 0.0083%; no homozygotes.

Submissions (4):

Labcorp Genetics (formerly Invitae), Labcorp
Classification: Likely benign for Mevalonic aciduria; Hyperimmunoglobulin D with periodic fever; Porokeratosis 3, disseminated superficial actinic type. Last evaluated: 2026-01-05. Review status: criteria provided, single submitter. Criteria: Invitae Variant Classification Sherloc (09022015). Collection method: clinical testing. Allele origin: germline.

Fulgent Genetics
Classification: Likely benign for Porokeratosis 3, disseminated superficial actinic type; Hyperimmunoglobulin D with periodic fever; Mevalonic aciduria. Last evaluated: 2021-10-25. Review status: criteria provided, single submitter. Criteria: ACMG Guidelines, 2015. Collection method: clinical testing. Allele origin: unknown.

Center for Genomics, Ann and Robert H. Lurie Children's Hospital of Chicago
Classification: Uncertain significance for Hyperimmunoglobulin D with periodic fever; Porokeratosis 3, disseminated superficial actinic type; Mevalonic aciduria. Review status: criteria provided, single submitter. Criteria: ACMG Guidelines, 2015. Collection method: clinical testing. Allele origin: germline.
Comment: MVK NM_000431 exon 11 p.Ile372Ile (c.1116C>T): This variant has not been reported in the literature but is present in 2/30782 South Asian alleles in the Genome Aggregation Database. Evolutionary conservation and computational predictive tools for this variant are limited or unavailable. Of note, this variant is a silent variant and does not change the amino acid, reducing the probability that this variant is disease causing. In summary, data on this variant is insufficient for disease classification. Therefore, the clinical significance of this variant is uncertain.

PreventionGenetics, part of Exact Sciences
Classification: Likely benign for MVK-related condition. Last evaluated: 2020-02-12. Review status: no assertion criteria provided. Collection method: clinical testing. Allele origin: germline. Not counted in ClinVar's aggregate classification.
Comment: This variant is classified as likely benign based on ACMG/AMP sequence variant interpretation guidelines (Richards et al. 2015 PMID: 25741868, with internal and published modifications).

NM_000431.4(MVK):c.1116C>T (p.Ile372=)

Gene: MVK (mevalonate kinase; plus strand). Cytogenetic location: 12q24.11.
Variant type: single nucleotide variant.
Coding change: c.1116C>T on transcript NM_000431.4 (MANE Select); coding-DNA position 1116, C replaced by T.
Protein change: p.Ile372=; no amino-acid change (isoleucine 372 retained).
Molecular consequence: synonymous variant.
Genome position (GRCh38, 1-based): chr12:109,596,502, C>T. VCF-style: chr12-109596502-C-T. GRCh37 (hg19) VCF-style: chr12-110034307-C-T.
Other names: c.1116C>T, p.Ile372= (NM_001114185.3); c.960C>T, p.Ile320= (NM_001301182.2); c.1116C>T (NM_000431.3).
Identifiers: ClinVar variation 1139653 (VCV001139653.12), dbSNP rs368066027, ClinGen allele CA6779456.
Genomic context (GRCh38, chr12:109,596,502, plus strand): 5'-AGTGGAGGCCACGAAGCAGGCCCTGACCAGCTGTGGCTTTGACTGCTTGGAAACCAGCAT[C>T]GGTGCCCCCGGCGTCTCCATCCACTCAGCCACCTCCCTGGACAGCCGAGTCCAGCAAGCC-3'
Protein context (NP_000422.1, residues 362-382): SCGFDCLETS[Ile372=]GAPGVSIHSA